The following is an entry in ClinVar:

ClinVar aggregate classification (germline): Uncertain significance (1 of 4 stars; one submission).

Conditions:
Glycogen storage disease, type II (IOPD). Also called: Glucosidase acid-1,4-alpha deficiency; Pompe Disease; Glycogen storage disease type 2; Acid maltase deficiency disease; Aglucosidase alfa; Deficiency of alpha-glucosidase. Identifiers: Orphanet 365, MedGen C0017921, MONDO:0009290, OMIM 232300.

Submission:

Labcorp Genetics (formerly Invitae), Labcorp
Classification: Uncertain significance for Glycogen storage disease, type II. Last evaluated: 2021-08-31. Review status: criteria provided, single submitter. Criteria: Invitae Variant Classification Sherloc (09022015). Collection method: clinical testing. Allele origin: germline.
Comment: This sequence change replaces alanine with threonine at codon 97 of the GAA protein (p.Ala97Thr). The alanine residue is weakly conserved and there is a small physicochemical difference between alanine and threonine. This variant is not present in population databases (ExAC no frequency). This variant has not been reported in the literature in individuals affected with GAA-related conditions. Advanced modeling of protein sequence and biophysical properties (such as structural, functional, and spatial information, amino acid conservation, physicochemical variation, residue mobility, and thermodynamic stability) performed at Invitae indicates that this missense variant is not expected to disrupt GAA protein function. In summary, the available evidence is currently insufficient to determine the role of this variant in disease. Therefore, it has been classified as a Variant of Uncertain Significance.

NM_000152.5(GAA):c.289G>A (p.Ala97Thr)

Gene: GAA (alpha glucosidase; plus strand). Cytogenetic location: 17q25.3.
Variant type: single nucleotide variant.
Coding change: c.289G>A on transcript NM_000152.5 (MANE Select); coding-DNA position 289, G replaced by A.
Protein change: p.Ala97Thr; replaces alanine 97 with threonine.
Molecular consequence: missense variant.
Genome position (GRCh38, 1-based): chr17:80,104,875, G>A. VCF-style: chr17-80104875-G-A. GRCh37 (hg19) VCF-style: chr17-78078674-G-A.
Other names: c.289G>A, p.Ala97Thr (NM_001079803.3, NM_001079804.3); short protein forms A97T.
Identifiers: ClinVar variation 1470756 (VCV001470756.5), dbSNP rs2143827017, ClinGen allele CA401360617.